The following is an entry in ClinVar:

NM_016169.4(SUFU):c.228T>C (p.Asn76=)

Gene: SUFU (SUFU negative regulator of hedgehog signaling; plus strand). Cytogenetic location: 10q24.32.
Variant type: single nucleotide variant.
Coding change: c.228T>C on transcript NM_016169.4 (MANE Select); coding-DNA position 228, T replaced by C.
Protein change: p.Asn76=; no amino-acid change (asparagine 76 retained).
Molecular consequence: synonymous variant.
Genome position (GRCh38, 1-based): chr10:102,509,214, T>C. VCF-style: chr10-102509214-T-C. GRCh37 (hg19) VCF-style: chr10-104268971-T-C.
Other names: c.228T>C, p.Asn76= (NM_001178133.2).
Identifiers: ClinVar variation 1789091 (VCV001789091.10), dbSNP rs2544845714, ClinGen allele CA471305347.
Genomic context (GRCh38, chr10:102,509,214, plus strand): 5'-TTTTGTTTTTTGCAGGTTGGGTGGCCCAGACCCCTTGGACTATGTTAGCATGTACAGGAA[T>C]GTGGGGAGCCCTTCTGCTAACATCCCCGAGCACTGGCACTACATCAGCTTCGGCCTGAGT-3'
Protein context (NP_057253.2, residues 66-86): DPLDYVSMYR[Asn76=]VGSPSANIPE

ClinVar aggregate classification (germline): Likely benign. Review status: criteria provided, multiple submitters, no conflicts (2 of 4 stars). 2 submissions from 2 submitters: Likely benign (2). Last evaluated 2025-08-01.

Conditions:
Hereditary cancer-predisposing syndrome. Also called: Hereditary neoplastic syndrome; Neoplastic Syndromes, Hereditary; Tumor predisposition; Hereditary Cancer Syndrome. Identifiers: Orphanet 140162, MedGen C0027672, MeSH D009386, MONDO:0015356.

Submissions (2):

CeGaT Center for Human Genetics Tuebingen
Classification: Likely benign. Last evaluated: 2025-08-01. Review status: criteria provided, single submitter. Criteria: CeGaT Center For Human Genetics Tuebingen Variant Classification Criteria Version 2. Collection method: clinical testing. Allele origin: germline. Affected: yes. Observed: 1 variant allele.
Comment: SUFU: PM2:Supporting, BP4, BP7

Ambry Genetics
Classification: Likely benign for Hereditary cancer-predisposing syndrome. Last evaluated: 2020-03-02. Review status: criteria provided, single submitter. Criteria: Ambry Variant Classification Scheme 2023. Collection method: clinical testing. Allele origin: germline.